The following is an entry in ClinVar:

ClinVar aggregate classification (germline): Likely pathogenic (1 of 4 stars; one submission).

Submission:

GeneDx
Classification: Likely pathogenic. Last evaluated: 2018-05-15. Review status: criteria provided, single submitter. Criteria: GeneDx Variant Classification (06012015). Collection method: clinical testing. Allele origin: germline. Affected: yes.
Comment: The L1710P variant in the SHANK3 gene has not been reported previously as a pathogenic variant, nor as a benign variant, to our knowledge. The L1710P variant is not observed in large population cohorts (Lek et al., 2016). The L1710P variant is a semi-conservative amino acid substitution, which may impact secondary protein structure as these residues differ in some properties. In-silico analyses, including protein predictors and evolutionary conservation, support a deleterious effect. We interpret L1710P as a likely pathogenic variant.

NM_001372044.2(SHANK3):c.5354T>C (p.Leu1785Pro)

Gene: SHANK3 (SH3 and multiple ankyrin repeat domains 3; plus strand). Cytogenetic location: 22q13.33.
Variant type: single nucleotide variant.
Coding change: c.5354T>C on transcript NM_001372044.2 (MANE Select); coding-DNA position 5354, T replaced by C.
Protein change: p.Leu1785Pro; replaces leucine 1785 with proline.
Molecular consequence: missense variant.
Genome position (GRCh38, 1-based): chr22:50,731,245, T>C. VCF-style: chr22-50731245-T-C. GRCh37 (hg19) VCF-style: chr22-51169673-T-C.
Other names: c.5129T>C, p.Leu1710Pro (NM_033517.1); short protein forms L1710P, L1785P.
Identifiers: ClinVar variation 546212 (VCV000546212.2), dbSNP rs1555910948, ClinGen allele CA515268069.
Genomic context (GRCh38, chr22:50,731,245, plus strand): 5'-AGGACCATGAGATAGAAGGCGCGCACCTACCCGCGCTTACCAAGGACGACTTCGTGGAGC[T>C]GGGCGTCACGCGCGTGGGCCACCGCATGAACATCGAGCGCGCGCTCAGGCAGCTGGACGG-3'
Protein context (NP_001358973.1, residues 1775-1795): PALTKDDFVE[Leu1785Pro]GVTRVGHRMN